The following is an entry in ClinVar:

ClinVar aggregate classification (germline): Pathogenic (1 of 4 stars; one submission).

Conditions:
Peroxisome biogenesis disorder, complementation group 7 (CG7). Also called: Peroxisome biogenesis disorder, complementation group B. Identifiers: MedGen C1864399.

Submission:

Labcorp Genetics (formerly Invitae), Labcorp
Classification: Pathogenic for Peroxisome biogenesis disorder, complementation group 7. Last evaluated: 2025-01-23. Review status: criteria provided, single submitter. Criteria: Invitae Variant Classification Sherloc (09022015). Collection method: clinical testing. Allele origin: germline.
Comment: This sequence change creates a premature translational stop signal (p.Gly228*) in the PEX10 gene. It is expected to result in an absent or disrupted protein product. Loss-of-function variants in PEX10 are known to be pathogenic (PMID: 9683594, 10862081, 21031596). This variant is not present in population databases (gnomAD no frequency). This variant has not been reported in the literature in individuals affected with PEX10-related conditions. ClinVar contains an entry for this variant (Variation ID: 2784871). For these reasons, this variant has been classified as Pathogenic.

Literature cited by the submitters: PubMed 9683594; PubMed 10862081; PubMed 21031596.

NM_002617.4(PEX10):c.622G>T (p.Gly208Ter)

Gene: PEX10 (peroxisomal biogenesis factor 10; minus strand). Cytogenetic location: 1p36.32.
Variant type: single nucleotide variant.
Coding change: c.622G>T on transcript NM_002617.4 (MANE Select); coding-DNA position 622, G replaced by T.
Protein change: p.Gly208Ter; replaces glycine 208 with a stop codon.
Molecular consequence: nonsense. On other transcripts: non-coding transcript variant (1).
Genome position (GRCh38, 1-based): chr1:2,406,874, C>A on the plus strand (G>T on the coding strand, the complement: PEX10 is on the minus strand). VCF-style: chr1-2406874-C-A. GRCh37 (hg19) VCF-style: chr1-2338313-C-A.
Other names: c.679G>T, p.Gly227Ter (NM_001374425.1); c.247G>T, p.Gly83Ter (NM_001374426.1); c.190G>T, p.Gly64Ter (NM_001374427.1); c.682G>T, p.Gly228Ter (NM_153818.2); short protein forms G227*, G208*, G228*, G64*, G83*.
Identifiers: ClinVar variation 2784871 (VCV002784871.3), dbSNP rs138489241, ClinGen allele CA337985708.
Genomic context (GRCh38, chr1:2,406,874, plus strand): 5'-GGTGCAGCAGTGAGATGACCCCCAGCAGCCTGTAGCTAACACGGGCCCTCAGGTCCTCTC[C>A]GGGCAGGCTGCGGACACGGAGCTGTAAGGCAGATGGCGCCACACTCATCAGGACCCTGAG-3'